The following is an entry in ClinVar:

ClinVar aggregate classification (germline): Uncertain significance (1 of 4 stars; one submission).

Submission:

Labcorp Genetics (formerly Invitae), Labcorp
Classification: Uncertain significance. Last evaluated: 2021-11-13. Review status: criteria provided, single submitter. Criteria: Invitae Variant Classification Sherloc (09022015). Collection method: clinical testing. Allele origin: germline.
Comment: This sequence change replaces threonine, which is neutral and polar, with serine, which is neutral and polar, at codon 82 of the RP1L1 protein (p.Thr82Ser). In summary, the available evidence is currently insufficient to determine the role of this variant in disease. Therefore, it has been classified as a Variant of Uncertain Significance. Algorithms developed to predict the effect of sequence changes on RNA splicing suggest that this variant may create or strengthen a splice site. Advanced modeling of protein sequence and biophysical properties (such as structural, functional, and spatial information, amino acid conservation, physicochemical variation, residue mobility, and thermodynamic stability) performed at Invitae indicates that this missense variant is not expected to disrupt RP1L1 protein function. This variant has not been reported in the literature in individuals affected with RP1L1-related conditions. This variant is not present in population databases (gnomAD no frequency).

NM_178857.6(RP1L1):c.245C>G (p.Thr82Ser)

Gene: RP1L1 (RP1 like 1). Cytogenetic location: 8p23.1.
Variant type: single nucleotide variant.
Coding change: c.245C>G on transcript NM_178857.6 (MANE Select); coding-DNA position 245, C replaced by G.
Protein change: p.Thr82Ser; replaces threonine 82 with serine.
Molecular consequence: missense variant.
Genome position (GRCh38, 1-based): chr8:10,622,957, G>C on the plus strand (C>G on the coding strand, the complement: RP1L1 is on the minus strand). VCF-style: chr8-10622957-G-C. GRCh37 (hg19) VCF-style: chr8-10480467-G-C.
Other names: short protein forms T82S.
Identifiers: ClinVar variation 1500257 (VCV001500257.6), dbSNP rs542538764, ClinGen allele CA370300732.
Genomic context (GRCh38, chr8:10,622,957, plus strand): 5'-TAGCAGCCTCCATCTTCCAGCTGCTCCAGGGCGCTGAGGCTATGCAGGCCCCGGGGTGTG[G>C]TGACAGAGCGCACCCCAAAGGAGAGAGGCACGCGCTGGGAGAGCTCGTCCATGAGGGCGC-3'
Protein context (NP_849188.4, residues 72-92): VPLSFGVRSV[Thr82Ser]TPRGLHSLSA